The following is an entry in ClinVar:

ClinVar aggregate classification (germline): Likely pathogenic (1 of 4 stars; one submission).

Conditions:
ZTTK syndrome (ZTTKS). Also called: Zhu-Tokita-Takenouchi-Kim Syndrome; ZTTK MULTIPLE CONGENITAL ANOMALIES-MENTAL RETARDATION SYNDROME. Identifiers: Orphanet 500150, MedGen C4310696, MONDO:0014936, OMIM 617140.

Submission:

3billion
Classification: Likely pathogenic for ZTTK syndrome. Review status: criteria provided, single submitter. Criteria: ACMG Guidelines, 2015. Collection method: clinical testing. Allele origin: unknown. Affected: yes. Observed: 1 heterozygote.
Comment: The variant is not observed in the gnomAD v2.1.1 dataset. The variant is predicted to result in a loss or disruption of normal protein function through nonsense-mediated decay (NMD) or protein truncation. Multiple pathogenic variants are reported downstream of the variant. Therefore, this variant is classified as Likely pathogenic according to the recommendation of ACMG/AMP guideline.

NM_138927.4(SON):c.1188del (p.Pro398fs)

Gene: SON (SON DNA and RNA binding protein; plus strand). Cytogenetic location: 21q22.11.
Variant type: Deletion.
Coding change: c.1188del on transcript NM_138927.4 (MANE Select); coding-DNA position 1188, one base deleted (G; older notation c.1188delG).
Protein change: p.Pro398fs; shifts the reading frame from proline 398.
Molecular consequence: frameshift variant. On other transcripts: non-coding transcript variant (1), intron variant (1).
Genome position (GRCh38, 1-based): chr21:33,550,419, G deleted; the last of 4 consecutive G bases (chr21:33,550,416-33,550,419); deleting any one gives the same sequence. VCF-style (leftmost placement, unchanged base first): chr21-33550415-AG-A. GRCh37 (hg19) VCF-style: chr21-34922721-AG-A.
Other names: c.1188del, p.Pro398fs (NM_001291411.2, NM_032195.3); c.1188delG, p.Pro398Leufs (NM_001412133.1, NM_058183.2, NM_138926.1); c.244+4040del (NM_001291412.3); short protein forms P398fs.
Identifiers: ClinVar variation 2572502 (VCV002572502.1), dbSNP rs2517351378, ClinGen allele CA2580616374.
Genomic context (GRCh38, chr21:33,550,415, plus strand): 5'-CGTCGGTGGCCTCAGCGATGGAGTTGCCGGGGCCACCTGCGACCTCCATGCCGGAGTTGC[AG>A]GGGCCCCCTGTGACTCCAGTGCTGGAGTTACCTGGGCCCTCTGCTACCCCGGTGCCAGAG-3'